The following is an entry in ClinVar:

ClinVar aggregate classification (germline): Pathogenic (1 of 4 stars; one submission).

Conditions:
Hereditary cancer-predisposing syndrome. Also called: Hereditary Cancer Syndrome; Hereditary neoplastic syndrome; Tumor predisposition; Neoplastic Syndromes, Hereditary. Identifiers: Orphanet 140162, MedGen C0027672, MeSH D009386, MONDO:0015356.

Submission:

Ambry Genetics
Classification: Pathogenic for Hereditary cancer-predisposing syndrome. Last evaluated: 2022-05-24. Review status: criteria provided, single submitter. Criteria: Ambry Variant Classification Scheme 2023. Collection method: clinical testing. Allele origin: germline.
Comment: The c.2254_2255delCT pathogenic mutation, located in coding exon 14 of the ATM gene, results from a deletion of two nucleotides at nucleotide positions 2254 to 2255, causing a translational frameshift with a predicted alternate stop codon (p.L752Nfs*12). This alteration is expected to result in loss of function by premature protein truncation or nonsense-mediated mRNA decay. As such, this alteration is interpreted as a disease-causing mutation.

NM_000051.4(ATM):c.2254_2255del (p.Leu752fs)

Gene: ATM (ATM serine/threonine kinase; plus strand). Cytogenetic location: 11q22.3.
Variant type: Microsatellite.
Coding change: c.2254_2255del on transcript NM_000051.4 (MANE Select); coding-DNA positions 2254 to 2255, 2 bases deleted (CT; older notation c.2254_2255delCT).
Protein change: p.Leu752fs; shifts the reading frame from leucine 752.
Molecular consequence: frameshift variant.
Genome position (GRCh38, 1-based): chr11:108,257,484-108,257,485, CT deleted; deleting any 2 consecutive bases within chr11:108,257,481-108,257,485 gives the same sequence; the c. name uses the placement nearest the transcript's 3' end. VCF-style (leftmost placement, unchanged base first): chr11-108257480-GTC-G. GRCh37 (hg19) VCF-style: chr11-108128207-GTC-G.
Other names: c.2252_2253CT[1], p.Leu752Asnfs (NM_000051.3); c.2254_2255del, p.Leu752fs (NM_001351834.2); c.2254_2255delCT (NM_000051.3); short protein forms L752fs.
Identifiers: ClinVar variation 1788483 (VCV001788483.2), dbSNP rs2497382846, ClinGen allele CA2580616441.